The following is an entry in ClinVar:

ClinVar aggregate classification (germline): Uncertain significance. Review status: criteria provided, multiple submitters, no conflicts (2 of 4 stars). 3 submissions from 3 submitters: Uncertain significance (3). Last evaluated 2026-01-19.

Conditions:
Hereditary cancer-predisposing syndrome. Also called: Hereditary Cancer Syndrome; Neoplastic Syndromes, Hereditary; Tumor predisposition; Hereditary neoplastic syndrome. Identifiers: Orphanet 140162, MedGen C0027672, MeSH D009386, MONDO:0015356.
Familial cancer of breast. Also called: BREAST CANCER, FAMILIAL; Hereditary breast cancer; hereditary breast carcinoma. Identifiers: Orphanet 227535, MedGen C0346153, MONDO:0016419, OMIM 114480. Disease mechanism: loss of function.

Allele frequency attached by ClinVar (database versions not stated): gnomAD exomes below 0.00001.
gnomAD v4.1: 1 of 1,556,562 alleles (0.000064%); highest among the groups gnomAD compares: South Asian, 0.0011%; no homozygotes.

Submissions (3):

Labcorp Genetics (formerly Invitae), Labcorp
Classification: Uncertain significance for Familial cancer of breast. Last evaluated: 2026-01-19. Review status: criteria provided, single submitter. Criteria: Invitae Variant Classification Sherloc (09022015). Collection method: clinical testing. Allele origin: germline.
Comment: This sequence change replaces threonine, which is neutral and polar, with alanine, which is neutral and non-polar, at codon 272 of the CHEK2 protein (p.Thr272Ala). This variant is present in population databases (no rsID available, gnomAD 0.003%). This variant has not been reported in the literature in individuals affected with CHEK2-related conditions. ClinVar contains an entry for this variant (Variation ID: 481149). An algorithm developed to predict the effect of missense changes on protein structure and function (PolyPhen-2) suggests that this variant is likely to be tolerated. In summary, the available evidence is currently insufficient to determine the role of this variant in disease. Therefore, it has been classified as a Variant of Uncertain Significance.

Ambry Genetics
Classification: Uncertain significance for Hereditary cancer-predisposing syndrome. Last evaluated: 2025-05-18. Review status: criteria provided, single submitter. Criteria: Ambry Variant Classification Scheme 2023. Collection method: clinical testing. Allele origin: germline.
Comment: The p.T272A variant (also known as c.814A>G), located in coding exon 6 of the CHEK2 gene, results from an A to G substitution at nucleotide position 814. The threonine at codon 272 is replaced by alanine, an amino acid with similar properties. This amino acid position is not well conserved in available vertebrate species. In addition, the in silico prediction for this alteration is inconclusive. Since supporting evidence is limited at this time, the clinical significance of this alteration remains unclear.

Color Diagnostics, LLC DBA Color Health
Classification: Uncertain significance for Hereditary cancer-predisposing syndrome. Last evaluated: 2023-12-04. Review status: criteria provided, single submitter. Criteria: ACMG Guidelines, 2015. Collection method: clinical testing. Allele origin: germline.
Comment: This missense variant replaces threonine with alanine at codon 272 of the CHEK2 protein. Computational prediction suggests that this variant may not impact protein structure and function (internally defined REVEL score threshold <= 0.5, PMID: 27666373). To our knowledge, functional studies have not been reported for this variant. This variant has not been reported in individuals affected with CHEK2-related disorders in the literature. This variant has not been identified in the general population by the Genome Aggregation Database (gnomAD). The available evidence is insufficient to determine the role of this variant in disease conclusively. Therefore, this variant is classified as a Variant of Uncertain Significance.

NM_007194.4(CHEK2):c.814A>G (p.Thr272Ala)

Gene: CHEK2 (checkpoint kinase 2; minus strand). Cytogenetic location: 22q12.1.
Variant type: single nucleotide variant.
Coding change: c.814A>G on transcript NM_007194.4 (MANE Select); coding-DNA position 814, A replaced by G.
Protein change: p.Thr272Ala; replaces threonine 272 with alanine.
Molecular consequence: missense variant.
Genome position (GRCh38, 1-based): chr22:28,710,038, T>C on the plus strand (A>G on the coding strand, the complement: CHEK2 is on the minus strand). VCF-style: chr22-28710038-T-C. GRCh37 (hg19) VCF-style: chr22-29106026-T-C.
Other names: c.943A>G, p.Thr315Ala (NM_001005735.3); c.151A>G, p.Thr51Ala (NM_001257387.3); c.613A>G, p.Thr205Ala (NM_001349956.3); c.814A>G, p.Thr272Ala (NM_145862.3); short protein forms T272A, T205A, T51A, T315A.
Identifiers: ClinVar variation 481149 (VCV000481149.18), dbSNP rs1426981647, ClinGen allele CA411102432.